The following is an entry in ClinVar:

ClinVar aggregate classification (germline): Likely benign. Review status: criteria provided, multiple submitters, no conflicts (2 of 4 stars). 4 submissions from 4 submitters: Likely benign (3). 1 of the submissions does not count toward it. Last evaluated 2025-11-12.

Conditions:
MYLK-related disorder. Also called: MYLK-related condition.
Aortic aneurysm, familial thoracic 7 (AAT7). Also called: AORTIC DISSECTION, FAMILIAL, WITH OR WITHOUT AORTIC ANEURYSM. Identifiers: MedGen C3151077, MONDO:0013418, OMIM 613780.
Familial thoracic aortic aneurysm and aortic dissection (TAAD). Also called: Thoracic aortic aneurysms and dissections. Identifiers: Orphanet 91387, MedGen C4707243, MONDO:0019625.

Allele frequency attached by ClinVar (database versions not stated): gnomAD exomes 0.00001 and 0.00002; ExAC 0.00002; ESP Exome Variant Server 0.00008; gnomAD 0.00012; TOPMed 0.00013; 1000 Genomes Project 30x 0.00047; 1000 Genomes Project 0.00060.
gnomAD v4.1: 36 of 1,614,046 alleles (0.0022%); highest among the groups gnomAD compares: African/African-American, 0.047%; no homozygotes.

Submissions (4):

Labcorp Genetics (formerly Invitae), Labcorp
Classification: Likely benign for Aortic aneurysm, familial thoracic 7. Last evaluated: 2025-11-12. Review status: criteria provided, single submitter. Criteria: Invitae Variant Classification Sherloc (09022015). Collection method: clinical testing. Allele origin: germline.

Blueprint Genetics
Classification: Likely benign. Last evaluated: 2021-09-30. Review status: criteria provided, single submitter. Criteria: ACMG Guidelines, 2015. Collection method: clinical testing. Allele origin: germline.

Ambry Genetics
Classification: Likely benign for Familial thoracic aortic aneurysm and aortic dissection. Last evaluated: 2015-07-08. Review status: criteria provided, single submitter. Criteria: Ambry Variant Classification Scheme 2023. Collection method: clinical testing. Allele origin: germline.

PreventionGenetics, part of Exact Sciences
Classification: Likely benign for MYLK-related condition. Last evaluated: 2019-07-10. Review status: no assertion criteria provided. Collection method: clinical testing. Allele origin: germline. Not counted in ClinVar's aggregate classification.
Comment: This variant is classified as likely benign based on ACMG/AMP sequence variant interpretation guidelines (Richards et al. 2015 PMID: 25741868, with internal and published modifications).

NM_053025.4(MYLK):c.3969C>T (p.Val1323=)

Gene: MYLK (myosin light chain kinase; minus strand). Cytogenetic location: 3q21.1.
Variant type: single nucleotide variant.
Coding change: c.3969C>T on transcript NM_053025.4 (MANE Select); coding-DNA position 3969, C replaced by T.
Protein change: p.Val1323=; no amino-acid change (valine 1323 retained).
Molecular consequence: synonymous variant.
Genome position (GRCh38, 1-based): chr3:123,664,121, G>A on the plus strand (C>T on the coding strand, the complement: MYLK is on the minus strand). VCF-style: chr3-123664121-G-A. GRCh37 (hg19) VCF-style: chr3-123382968-G-A.
Other names: c.3441C>T, p.Val1147= (NM_001321309.2); c.3762C>T, p.Val1254= (NM_053026.4, NM_053028.4); c.3969C>T, p.Val1323= (NM_053027.4).
Identifiers: ClinVar variation 264126 (VCV000264126.19), dbSNP rs192100022, ClinGen allele CA070611.
Genomic context (GRCh38, chr3:123,664,121, plus strand): 5'-TTCCCCTTGCCCCAAGCTCCATGCCACCCAGCCACCAGACTCACCCACGACAGTGAGGTT[G>A]ACCTGGGCCTGCCTGCTGCCCAGCTTGTTCTCCACCAGCAGTGTGTAGCAGCCGCAGTGC-3'
Protein context (NP_444253.3, residues 1313-1333): ENKLGSRQAQ[Val1323=]NLTVVDKPDP